The following is an entry in ClinVar:

ClinVar aggregate classification (germline): Uncertain significance (1 of 4 stars; one submission).

Allele frequency attached by ClinVar (database versions not stated): gnomAD exomes 0.00001.
gnomAD v4.1: 6 of 1,612,454 alleles (0.00037%); highest among the groups gnomAD compares: Non-Finnish European, 0.00051%; no homozygotes.

Submission:

Labcorp Genetics (formerly Invitae), Labcorp
Classification: Uncertain significance. Last evaluated: 2019-11-07. Review status: criteria provided, single submitter. Criteria: Invitae Variant Classification Sherloc (09022015). Collection method: clinical testing. Allele origin: germline.
Comment: This sequence change replaces asparagine with isoleucine at codon 2071 of the MTOR protein (p.Asn2071Ile). The asparagine residue is moderately conserved and there is a large physicochemical difference between asparagine and isoleucine. This variant is not present in population databases (ExAC no frequency). This variant has not been reported in the literature in individuals with MTOR-related conditions. Algorithms developed to predict the effect of missense changes on protein structure and function are either unavailable or do not agree on the potential impact of this missense change (SIFT: "Deleterious"; PolyPhen-2: "Possibly Damaging"; Align-GVGD: "Class C0"). In summary, the available evidence is currently insufficient to determine the role of this variant in disease. Therefore, it has been classified as a Variant of Uncertain Significance.

NM_004958.4(MTOR):c.6212A>T (p.Asn2071Ile)

Gene: MTOR (mechanistic target of rapamycin kinase; minus strand). Cytogenetic location: 1p36.22.
Variant type: single nucleotide variant.
Coding change: c.6212A>T on transcript NM_004958.4 (MANE Select); coding-DNA position 6212, A replaced by T.
Protein change: p.Asn2071Ile; replaces asparagine 2071 with isoleucine.
Molecular consequence: missense variant.
Genome position (GRCh38, 1-based): chr1:11,127,628, T>A on the plus strand (A>T on the coding strand, the complement: MTOR is on the minus strand). VCF-style: chr1-11127628-T-A. GRCh37 (hg19) VCF-style: chr1-11187685-T-A.
Other names: short protein forms N2071I.
Identifiers: ClinVar variation 964564 (VCV000964564.1), dbSNP rs1642909004, ClinGen allele CA338392787.
Genomic context (GRCh38, chr1:11,127,628, plus strand): 5'-TTTAGTGGCAGAATATTTCTACAGGGTTATGTCCTTTCGTGTTTTTTACCCCATACCTGA[T>A]TAAAGGATGTTTCCTTCAGAGTCTGGGGGCCCCGTTCCATCATAGCATGCAAGGGCTCCA-3'
Protein context (NP_004949.1, residues 2061-2081): GPQTLKETSF[Asn2071Ile]QAYGRDLMEA